The following is an entry in ClinVar:

ClinVar aggregate classification (germline): Conflicting classifications of pathogenicity. Review status: criteria provided, conflicting classifications (1 of 4 stars). 5 submissions from 5 submitters: Uncertain significance (3); Likely benign (2). Last evaluated 2025-03-19.

Conditions:
Inborn genetic diseases. Identifiers: MedGen C0950123, MeSH D030342.
RETREG1-related disorder. Also called: RETREG1-related condition.
Neuropathy, hereditary sensory and autonomic, type 2B (HSAN2B). Also called: RETREG1-Related HSAN2 (HSAN2B). Identifiers: Orphanet 970, MedGen C2751092, MONDO:0013142, OMIM 613115.

Allele frequency attached by ClinVar (database versions not stated): 1000 Genomes Project 30x 0.00031; TOPMed 0.00079.
gnomAD v4.1: 229 of 1,444,730 alleles (0.016%); highest among the groups gnomAD compares: African/African-American, 0.25%; 1 homozygote.

Submissions (5):

PreventionGenetics, part of Exact Sciences
Classification: Likely benign for RETREG1-related condition. Last evaluated: 2025-03-19. Review status: criteria provided, single submitter. Criteria: ACMG Guidelines, 2015. Collection method: clinical testing. Allele origin: germline.
Comment: This variant is classified as likely benign based on ACMG/AMP sequence variant interpretation guidelines (Richards et al. 2015 PMID: 25741868, with internal and published modifications).

GeneDx
Classification: Uncertain significance. Last evaluated: 2024-08-15. Review status: criteria provided, single submitter. Criteria: GeneDx Variant Classification Process June 2021. Collection method: clinical testing. Allele origin: germline. Affected: yes.
Comment: In silico analysis indicates that this missense variant does not alter protein structure/function; Has not been previously published as pathogenic or benign to our knowledge

Ambry Genetics
Classification: Likely benign for Inborn genetic diseases. Last evaluated: 2024-02-26. Review status: criteria provided, single submitter. Criteria: Ambry Variant Classification Scheme 2023. Collection method: clinical testing. Allele origin: germline.

Labcorp Genetics (formerly Invitae), Labcorp
Classification: Uncertain significance. Last evaluated: 2022-10-01. Review status: criteria provided, single submitter. Criteria: Invitae Variant Classification Sherloc (09022015). Collection method: clinical testing. Allele origin: germline.
Comment: This sequence change replaces glutamic acid, which is acidic and polar, with glutamine, which is neutral and polar, at codon 8 of the RETREG1 protein (p.Glu8Gln). This variant is present in population databases (rs759050645, gnomAD 0.2%). This variant has not been reported in the literature in individuals affected with RETREG1-related conditions. ClinVar contains an entry for this variant (Variation ID: 538124). Algorithms developed to predict the effect of missense changes on protein structure and function are either unavailable or do not agree on the potential impact of this missense change (SIFT: "Tolerated"; PolyPhen-2: "Not Available"; Align-GVGD: "Class C0"). In summary, the available evidence is currently insufficient to determine the role of this variant in disease. Therefore, it has been classified as a Variant of Uncertain Significance.

Baylor Genetics
Classification: Uncertain significance for Neuropathy, hereditary sensory and autonomic, type 2B. Last evaluated: 2018-01-29. Review status: criteria provided, single submitter. Criteria: ACMG Guidelines, 2015. Collection method: clinical testing. Allele origin: unknown. Affected: yes.
Comment: This variant was determined to be of uncertain significance according to ACMG Guidelines, 2015 [PMID:25741868].

NM_001034850.3(RETREG1):c.22G>C (p.Glu8Gln)

Genes: RETREG1 (reticulophagy regulator 1; minus strand), RETREG1-AS1 (RETREG1 antisense RNA 1; plus strand), LOC129993734 (ATAC-STARR-seq lymphoblastoid silent region 15947; plus strand). Cytogenetic location: 5p15.1.
Variant type: single nucleotide variant.
Coding change: c.22G>C on transcript NM_001034850.3 (MANE Select); coding-DNA position 22, G replaced by C.
Protein change: p.Glu8Gln; replaces glutamic acid 8 with glutamine.
Molecular consequence: missense variant.
Genome position (GRCh38, 1-based): chr5:16,616,950, C>G on the plus strand (G>C on the coding strand, the complement: RETREG1 is on the minus strand). VCF-style: chr5-16616950-C-G. GRCh37 (hg19) VCF-style: chr5-16617059-C-G.
Other names: short protein forms E8Q.
Identifiers: ClinVar variation 538124 (VCV000538124.12), dbSNP rs759050645, ClinGen allele CA3210549.